The following is an entry in ClinVar:

ClinVar aggregate classification (germline): Conflicting classifications of pathogenicity. Review status: criteria provided, conflicting classifications (1 of 4 stars). 4 submissions from 4 submitters: Uncertain significance (2); Benign (1); Likely benign (1). Last evaluated 2025-12-16.

Conditions:
SLMAP-related disorder. Also called: SLMAP-related condition.
Brugada syndrome. Also called: Sudden Unexplained Nocturnal Death Syndrome (SUNDS); Sudden unexpected nocturnal death syndrome; Sudden Unexplained Death Syndrome; Sudden unexplained nocturnal death syndrome. Identifiers: Orphanet 130, MedGen C1142166, MONDO:0015263.

Allele frequency attached by ClinVar (database versions not stated): TOPMed 0.00015; gnomAD 0.00017 and 0.00018; gnomAD exomes 0.00023 and 0.00025; ESP Exome Variant Server 0.00031; ExAC 0.00032; 1000 Genomes Project 0.00040; 1000 Genomes Project 30x 0.00047.
gnomAD v4.1: 367 of 1,598,258 alleles (0.023%); highest among the groups gnomAD compares: Middle Eastern, 0.15%; 1 homozygote.

Submissions (4):

Labcorp Genetics (formerly Invitae), Labcorp
Classification: Uncertain significance for Brugada syndrome. Last evaluated: 2025-12-16. Review status: criteria provided, single submitter. Criteria: Invitae Variant Classification Sherloc (09022015). Collection method: clinical testing. Allele origin: germline.
Comment: This sequence change falls in intron 17 of the SLMAP gene. It does not directly change the encoded amino acid sequence of the SLMAP protein. It affects a nucleotide within the consensus splice site. This variant is present in population databases (rs199881493, gnomAD 0.04%), and has an allele count higher than expected for a pathogenic variant. This variant has not been reported in the literature in individuals affected with SLMAP-related conditions. ClinVar contains an entry for this variant (Variation ID: 643450). Variants that disrupt the consensus splice site are a relatively common cause of aberrant splicing (PMID: 17576681, 9536098). Algorithms developed to predict the effect of sequence changes on RNA splicing suggest that this variant is not likely to affect RNA splicing. In summary, the available evidence is currently insufficient to determine the role of this variant in disease. Therefore, it has been classified as a Variant of Uncertain Significance.

PreventionGenetics, part of Exact Sciences
Classification: Likely benign for SLMAP-related condition. Last evaluated: 2024-10-26. Review status: criteria provided, single submitter. Criteria: ACMG Guidelines, 2015. Collection method: clinical testing. Allele origin: germline.
Comment: This variant is classified as likely benign based on ACMG/AMP sequence variant interpretation guidelines (Richards et al. 2015 PMID: 25741868, with internal and published modifications).

Women's Health and Genetics/Laboratory Corporation of America, LabCorp
Classification: Benign. Last evaluated: 2024-05-13. Review status: criteria provided, single submitter. Criteria: LabCorp Variant Classification Summary - May 2015. Collection method: clinical testing. Allele origin: germline.

Breakthrough Genomics
Classification: Uncertain significance. Review status: criteria provided, single submitter. Criteria: ACMG Guidelines, 2015. Collection method: not provided. Allele origin: germline. Inheritance: Unknown mechanism. Affected: yes.

Literature cited by the submitters: PubMed 17576681 (cited by Labcorp Genetics (formerly Invitae), Labcorp); PubMed 9536098 (cited by Labcorp Genetics (formerly Invitae), Labcorp).

NM_001377540.1(SLMAP):c.2020+5A>G

Gene: SLMAP (sarcolemma associated protein; plus strand). Cytogenetic location: 3p14.3.
Variant type: single nucleotide variant.
Coding change: c.2020+5A>G on transcript NM_001377540.1 (MANE Select); 5 bases into the intron after coding-DNA position 2020, A replaced by G.
Molecular consequence: intron variant.
Genome position (GRCh38, 1-based): chr3:57,912,706, A>G. VCF-style: chr3-57912706-A-G. GRCh37 (hg19) VCF-style: chr3-57898433-A-G.
Other names: c.1918+5A>G (NM_007159.4, NM_001377549.1, NM_007159.5); c.2041+5A>G (NM_001377538.1); c.2020+5A>G (NM_001377539.1); c.1897+5A>G (NM_001377555.1); c.1957+5A>G (NM_001377545.1); c.1834+5A>G (NM_001377922.1); c.1969+5A>G (NM_001377541.1, NM_001304420.3, NM_001377542.1); c.1846+5A>G (NM_001377562.1, NM_001377921.1); and 8 more.
Identifiers: ClinVar variation 643450 (VCV000643450.11), dbSNP rs199881493, ClinGen allele CA2467270.